The following is an entry in ClinVar:

ClinVar aggregate classification (germline): Uncertain significance. Review status: criteria provided, multiple submitters, no conflicts (2 of 4 stars). 2 submissions from 2 submitters: Uncertain significance (2). Last evaluated 2025-07-30.

Conditions:
Inborn genetic diseases. Identifiers: MedGen C0950123, MeSH D030342.

Submissions (2):

Labcorp Genetics (formerly Invitae), Labcorp
Classification: Uncertain significance. Last evaluated: 2025-07-30. Review status: criteria provided, single submitter. Criteria: Invitae Variant Classification Sherloc (09022015). Collection method: clinical testing. Allele origin: germline.
Comment: This sequence change replaces aspartic acid, which is acidic and polar, with glycine, which is neutral and non-polar, at codon 490 of the DSG1 protein (p.Asp490Gly). This variant is not present in population databases (gnomAD no frequency). This variant has not been reported in the literature in individuals affected with DSG1-related conditions. ClinVar contains an entry for this variant (Variation ID: 3842609). Invitae Evidence Modeling of protein sequence and biophysical properties (such as structural, functional, and spatial information, amino acid conservation, physicochemical variation, residue mobility, and thermodynamic stability) indicates that this missense variant is not expected to disrupt DSG1 protein function with a negative predictive value of 80%. In summary, the available evidence is currently insufficient to determine the role of this variant in disease. Therefore, it has been classified as a Variant of Uncertain Significance.

Ambry Genetics
Classification: Uncertain significance for Inborn genetic diseases. Last evaluated: 2025-01-02. Review status: criteria provided, single submitter. Criteria: Ambry Variant Classification Scheme 2023. Collection method: clinical testing. Allele origin: germline.

NM_001942.4(DSG1):c.1469A>G (p.Asp490Gly)

Gene: DSG1 (desmoglein 1; plus strand). Cytogenetic location: 18q12.1.
Variant type: single nucleotide variant.
Coding change: c.1469A>G on transcript NM_001942.4 (MANE Select); coding-DNA position 1469, A replaced by G.
Protein change: p.Asp490Gly; replaces aspartic acid 490 with glycine.
Molecular consequence: missense variant.
Genome position (GRCh38, 1-based): chr18:31,339,807, A>G. VCF-style: chr18-31339807-A-G. GRCh37 (hg19) VCF-style: chr18-28919770-A-G.
Other names: short protein forms D490G.
Identifiers: ClinVar variation 3842609 (VCV003842609.2).
Genomic context (GRCh38, chr18:31,339,807, plus strand): 5'-ATCTTCAAAGAACTTGCACTGGTACAATTAATATTAACATTCAAAGTTTTGGTAATGACG[A>G]CAGGACTAATACAGAGCCGAACACTAAAATTACTACCAATACTGGCAGACAAGAAAGTAC-3'
Protein context (NP_001933.2, residues 480-500): NINIQSFGND[Asp490Gly]RTNTEPNTKI